The following is an entry in ClinVar:

ClinVar aggregate classification (germline): Uncertain significance (1 of 4 stars; one submission).

Conditions:
Breast-ovarian cancer, familial, susceptibility to, 4. Identifiers: Orphanet 145, MedGen C3280345, MONDO:0013669, OMIM 614291.

Submission:

Labcorp Genetics (formerly Invitae), Labcorp
Classification: Uncertain significance for Breast-ovarian cancer, familial, susceptibility to, 4. Last evaluated: 2020-09-15. Review status: criteria provided, single submitter. Criteria: Invitae Variant Classification Sherloc (09022015). Collection method: clinical testing. Allele origin: germline.
Comment: This sequence change replaces valine with leucine at codon 211 of the RAD51D protein (p.Val211Leu). The valine residue is moderately conserved and there is a small physicochemical difference between valine and leucine. This variant is not present in population databases (ExAC no frequency). This variant has not been reported in the literature in individuals with RAD51D-related conditions. Algorithms developed to predict the effect of missense changes on protein structure and function are either unavailable or do not agree on the potential impact of this missense change (SIFT: "Tolerated"; PolyPhen-2: "Probably Damaging"; Align-GVGD: "Class C0"). In summary, the available evidence is currently insufficient to determine the role of this variant in disease. Therefore, it has been classified as a Variant of Uncertain Significance.

NM_002878.4(RAD51D):c.631G>C (p.Val211Leu)

Genes: RAD51L3-RFFL (RAD51L3-RFFL readthrough; minus strand), RAD51D (RAD51 paralog D; minus strand). Cytogenetic location: 17q12.
Variant type: single nucleotide variant.
Coding change: c.631G>C on transcript NM_002878.4 (MANE Select); coding-DNA position 631, G replaced by C.
Protein change: p.Val211Leu; replaces valine 211 with leucine.
Molecular consequence: missense variant. On other transcripts: non-coding transcript variant (3).
Genome position (GRCh38, 1-based): chr17:35,103,490, C>G on the plus strand (G>C on the coding strand, the complement: RAD51D is on the minus strand). VCF-style: chr17-35103490-C-G. GRCh37 (hg19) VCF-style: chr17-33430509-C-G.
Other names: c.691G>C, p.Val231Leu (NM_001142571.2); c.295G>C, p.Val99Leu (NM_133629.3); short protein forms V211L, V231L, V99L.
Identifiers: ClinVar variation 1026291 (VCV001026291.5), dbSNP rs1567726508, ClinGen allele CA399087897.